The following is an entry in ClinVar:

NM_001387777.1(TNS1):c.3687G>A (p.Pro1229=)

Gene: TNS1 (tensin 1; minus strand). Cytogenetic location: 2q35.
Variant type: single nucleotide variant.
Coding change: c.3687G>A on transcript NM_001387777.1 (MANE Select); coding-DNA position 3687, G replaced by A.
Protein change: p.Pro1229=; no amino-acid change (proline 1229 retained).
Molecular consequence: synonymous variant.
Genome position (GRCh38, 1-based): chr2:217,818,645, C>T on the plus strand (G>A on the coding strand, the complement: TNS1 is on the minus strand). VCF-style: chr2-217818645-C-T. GRCh37 (hg19) VCF-style: chr2-218683368-C-T.
Other names: c.3336G>A, p.Pro1112= (NM_001308022.2); c.3312G>A, p.Pro1104= (NM_001308023.2); c.3375G>A, p.Pro1125= (NM_022648.7).
Identifiers: ClinVar variation 3059973 (VCV003059973.2), dbSNP rs34144104, ClinGen allele CA2099803.

ClinVar aggregate classification (germline): Benign (0 of 4 stars; one submission).

Conditions:
TNS1-related disorder. Also called: TNS1-related condition.

Allele frequency attached by ClinVar (database versions not stated): 1000 Genomes Project 30x 0.21393; 1000 Genomes Project 0.21526; ESP Exome Variant Server 0.22666; gnomAD 0.22961; TOPMed 0.23766; ExAC 0.27310; gnomAD exomes 0.28159.
gnomAD v4.1: 446,201 of 1,614,060 alleles (28%); highest among the groups gnomAD compares: Middle Eastern, 36%; 63,857 homozygotes.

Submission:

PreventionGenetics, part of Exact Sciences
Classification: Benign for TNS1-related condition. Last evaluated: 2022-03-30. Review status: no assertion criteria provided. Collection method: clinical testing. Allele origin: germline.
Comment: This variant is classified as benign based on ACMG/AMP sequence variant interpretation guidelines (Richards et al. 2015 PMID: 25741868, with internal and published modifications).